The following is an entry in ClinVar:

ClinVar aggregate classification (germline): Uncertain significance (1 of 4 stars; one submission).

Submission:

Labcorp Genetics (formerly Invitae), Labcorp
Classification: Uncertain significance. Last evaluated: 2022-02-03. Review status: criteria provided, single submitter. Criteria: Invitae Variant Classification Sherloc (09022015). Collection method: clinical testing. Allele origin: germline.
Comment: This sequence change replaces serine, which is neutral and polar, with asparagine, which is neutral and polar, at codon 879 of the ADAMTS18 protein (p.Ser879Asn). This variant is not present in population databases (gnomAD no frequency). This variant has not been reported in the literature in individuals affected with ADAMTS18-related conditions. ClinVar contains an entry for this variant (Variation ID: 1040293). Algorithms developed to predict the effect of missense changes on protein structure and function output the following: SIFT: "Not Available"; PolyPhen-2: "Benign"; Align-GVGD: "Not Available". The asparagine amino acid residue is found in multiple mammalian species, which suggests that this missense change does not adversely affect protein function. In summary, the available evidence is currently insufficient to determine the role of this variant in disease. Therefore, it has been classified as a Variant of Uncertain Significance.

NM_199355.4(ADAMTS18):c.2636G>A (p.Ser879Asn)

Gene: ADAMTS18 (ADAM metallopeptidase with thrombospondin type 1 motif 18; minus strand). Cytogenetic location: 16q23.1.
Variant type: single nucleotide variant.
Coding change: c.2636G>A on transcript NM_199355.4 (MANE Select); coding-DNA position 2636, G replaced by A.
Protein change: p.Ser879Asn; replaces serine 879 with asparagine.
Molecular consequence: missense variant.
Genome position (GRCh38, 1-based): chr16:77,300,301, C>T on the plus strand (G>A on the coding strand, the complement: ADAMTS18 is on the minus strand). VCF-style: chr16-77300301-C-T. GRCh37 (hg19) VCF-style: chr16-77334198-C-T.
Other names: c.2120G>A, p.Ser707Asn (NM_001326358.2); short protein forms S707N, S879N.
Identifiers: ClinVar variation 1040293 (VCV001040293.10), dbSNP rs2055556304, ClinGen allele CA396823647.